The following is an entry in ClinVar:

NM_001330360.2(POLA1):c.4185C>T (p.Tyr1395=)

Gene: POLA1 (DNA polymerase alpha 1, catalytic subunit; plus strand). Cytogenetic location: Xp21.3.
Variant type: single nucleotide variant.
Coding change: c.4185C>T on transcript NM_001330360.2 (MANE Select); coding-DNA position 4185, C replaced by T.
Protein change: p.Tyr1395=; no amino-acid change (tyrosine 1395 retained).
Molecular consequence: synonymous variant. On other transcripts: non-coding transcript variant (2).
Genome position (GRCh38, 1-based): chrX:24,930,473, C>T. VCF-style: chrX-24930473-C-T. GRCh37 (hg19) VCF-style: chrX-24948590-C-T.
Other names: p.Tyr1389=; c.4110C>T, p.Tyr1370= (NM_001378303.1); c.4167C>T, p.Tyr1389= (NM_016937.4).
Identifiers: ClinVar variation 1284943 (VCV001284943.14), dbSNP rs61756363, ClinGen allele CA10373703.

ClinVar aggregate classification (germline): Benign/Likely benign. Review status: criteria provided, multiple submitters, no conflicts (2 of 4 stars). 7 submissions from 7 submitters: Benign (4); Likely benign (1). 2 of the submissions do not count toward it. Last evaluated 2026-06-08.

Allele frequency attached by ClinVar (database versions not stated): 1000 Genomes Project 30x 0.00021; 1000 Genomes Project 0.00026; TOPMed 0.00069; ESP Exome Variant Server 0.00076; gnomAD exomes 0.00109 and 0.00120; ExAC 0.00117; gnomAD 0.00120 and 0.00122.
gnomAD v4.1: 1,305 of 1,186,169 alleles (0.11%); highest among the groups gnomAD compares: Non-Finnish European, 0.11%; 1 homozygote.

Submissions (7):

Women's Health and Genetics/Laboratory Corporation of America, LabCorp
Classification: Benign. Last evaluated: 2026-06-08. Review status: criteria provided, single submitter. Criteria: LabCorp Variant Classification Summary - May 2015. Collection method: clinical testing. Allele origin: germline.

Labcorp Genetics (formerly Invitae), Labcorp
Classification: Benign. Last evaluated: 2026-01-15. Review status: criteria provided, single submitter. Criteria: Invitae Variant Classification Sherloc (09022015). Collection method: clinical testing. Allele origin: germline.

Mayo Clinic Laboratories, Mayo Clinic
Classification: Benign. Last evaluated: 2025-03-31. Review status: criteria provided, single submitter. Criteria: ACMG Guidelines, 2015. Collection method: clinical testing. Allele origin: germline. Observed: 1 variant allele.
Comment: BS1, BS2, BP4, BP7

Blueprint Genetics
Classification: Likely benign. Last evaluated: 2024-09-13. Review status: criteria provided, single submitter. Criteria: ACMG Guidelines, 2015. Collection method: clinical testing. Allele origin: germline.

Breakthrough Genomics
Classification: Benign. Review status: criteria provided, single submitter. Criteria: ACMG Guidelines, 2015. Collection method: not provided. Allele origin: germline. Inheritance: X-linked inheritance. Affected: yes.

Clinical Genetics DNA and cytogenetics Diagnostics Lab, Erasmus MC, Erasmus Medical Center
Classification: Likely benign. Review status: no assertion criteria provided. Collection method: clinical testing. Allele origin: germline. Affected: yes. Study: VKGL Data-share Consensus. Not counted in ClinVar's aggregate classification.

Genome Diagnostics Laboratory, University Medical Center Utrecht
Classification: Likely benign. Review status: no assertion criteria provided. Collection method: clinical testing. Allele origin: germline. Affected: yes. Study: VKGL Data-share Consensus. Not counted in ClinVar's aggregate classification.